The following is an entry in ClinVar:

NM_004525.3(LRP2):c.7596C>T (p.Ile2532=)

Gene: LRP2 (LDL receptor related protein 2; minus strand). Cytogenetic location: 2q31.1.
Variant type: single nucleotide variant.
Coding change: c.7596C>T on transcript NM_004525.3 (MANE Select); coding-DNA position 7596, C replaced by T.
Protein change: p.Ile2532=; no amino-acid change (isoleucine 2532 retained).
Molecular consequence: synonymous variant.
Genome position (GRCh38, 1-based): chr2:169,205,598, G>A on the plus strand (C>T on the coding strand, the complement: LRP2 is on the minus strand). VCF-style: chr2-169205598-G-A. GRCh37 (hg19) VCF-style: chr2-170062108-G-A.
Identifiers: ClinVar variation 1901215 (VCV001901215.27), dbSNP rs746489778, ClinGen allele CA59933083.

ClinVar aggregate classification (germline): Likely benign. Review status: criteria provided, multiple submitters, no conflicts (2 of 4 stars). 2 submissions from 2 submitters: Likely benign (2). Last evaluated 2024-01-31.

Allele frequency attached by ClinVar (database versions not stated): gnomAD 0.00001; gnomAD exomes 0.00001; TOPMed 0.00001.
gnomAD v4.1: 15 of 1,613,376 alleles (0.00093%); highest among the groups gnomAD compares: Non-Finnish European, 0.0013%; no homozygotes.

Submissions (2):

Labcorp Genetics (formerly Invitae), Labcorp
Classification: Likely benign. Last evaluated: 2024-01-31. Review status: criteria provided, single submitter. Criteria: Invitae Variant Classification Sherloc (09022015). Collection method: clinical testing. Allele origin: germline.

CeGaT Center for Human Genetics Tuebingen
Classification: Likely benign. Last evaluated: 2024-01-01. Review status: criteria provided, single submitter. Criteria: CeGaT Center For Human Genetics Tuebingen Variant Classification Criteria Version 2. Collection method: clinical testing. Allele origin: germline. Affected: yes. Observed: 2 variant alleles.
Comment: LRP2: BP4, BP7